The following is an entry in ClinVar:

ClinVar aggregate classification (germline): Benign/Likely benign. Review status: criteria provided, multiple submitters, no conflicts (2 of 4 stars). 2 submissions from 2 submitters: Benign (1); Likely benign (1). Last evaluated 2026-09-22.

Conditions:
SERPING1-related disorder. Also called: SERPING1-related condition.

Allele frequency attached by ClinVar (database versions not stated): gnomAD exomes 0.00017 and 0.00036; ExAC 0.00064; ESP Exome Variant Server 0.00078; 1000 Genomes Project 0.00080; gnomAD 0.00145 and 0.00152; 1000 Genomes Project 30x 0.00156; TOPMed 0.00159.
gnomAD v4.1: 480 of 1,562,280 alleles (0.031%); highest among the groups gnomAD compares: African/African-American, 0.55%; 2 homozygotes.

Submissions (2):

PreventionGenetics, part of Exact Sciences
Classification: Likely benign for SERPING1-related condition. Last evaluated: 2026-09-22. Review status: criteria provided, single submitter. Criteria: ACMG Guidelines, 2015. Collection method: clinical testing. Allele origin: germline.
Comment: This variant is classified as likely benign based on ACMG/AMP sequence variant interpretation guidelines (Richards et al. 2015 PMID: 25741868, with internal and published modifications).

Labcorp Genetics (formerly Invitae), Labcorp
Classification: Benign. Last evaluated: 2026-01-31. Review status: criteria provided, single submitter. Criteria: Invitae Variant Classification Sherloc (09022015). Collection method: clinical testing. Allele origin: germline.

NM_000062.3(SERPING1):c.25A>C (p.Thr9Pro)

Gene: SERPING1 (serpin family G member 1; plus strand). Cytogenetic location: 11q12.1.
Variant type: single nucleotide variant.
Coding change: c.25A>C on transcript NM_000062.3 (MANE Select); coding-DNA position 25, A replaced by C.
Protein change: p.Thr9Pro; replaces threonine 9 with proline.
Molecular consequence: missense variant.
Genome position (GRCh38, 1-based): chr11:57,598,295, A>C. VCF-style: chr11-57598295-A-C. GRCh37 (hg19) VCF-style: chr11-57365768-A-C.
Other names: c.25A>C, p.Thr9Pro (NM_001032295.2); c.25A>C (NM_000062.2); short protein forms T9P.
Identifiers: ClinVar variation 1167822 (VCV001167822.10), dbSNP rs201455616, ClinGen allele CA6007948.